The following is an entry in ClinVar:

ClinVar aggregate classification (germline): Uncertain significance (1 of 4 stars; one submission).

Allele frequency attached by ClinVar (database versions not stated): gnomAD exomes below 0.00001.
gnomAD v4.1: 2 of 1,613,622 alleles (0.00012%); highest among the groups gnomAD compares: East Asian, 0.0022%; no homozygotes.

Submission:

Labcorp Genetics (formerly Invitae), Labcorp
Classification: Uncertain significance. Last evaluated: 2023-12-06. Review status: criteria provided, single submitter. Criteria: Invitae Variant Classification Sherloc (09022015). Collection method: clinical testing. Allele origin: germline.
Comment: This sequence change affects codon 182 of the CDH2 mRNA. It is a 'silent' change, meaning that it does not change the encoded amino acid sequence of the CDH2 protein. This variant also falls at the last nucleotide of exon 4, which is part of the consensus splice site for this exon. This variant is present in population databases (rs201798295, gnomAD 0.006%). This variant has not been reported in the literature in individuals affected with CDH2-related conditions. ClinVar contains an entry for this variant (Variation ID: 1372923). Variants that disrupt the consensus splice site are a relatively common cause of aberrant splicing (PMID: 17576681, 9536098). Algorithms developed to predict the effect of sequence changes on RNA splicing suggest that this variant may disrupt the consensus splice site. In summary, the available evidence is currently insufficient to determine the role of this variant in disease. Therefore, it has been classified as a Variant of Uncertain Significance.

Literature cited by the submitters: PubMed 17576681; PubMed 9536098.

NM_001792.5(CDH2):c.546G>A (p.Arg182=)

Gene: CDH2 (cadherin 2; minus strand). Cytogenetic location: 18q12.1.
Variant type: single nucleotide variant.
Coding change: c.546G>A on transcript NM_001792.5 (MANE Select); coding-DNA position 546, G replaced by A.
Protein change: p.Arg182=; no amino-acid change (arginine 182 retained).
Molecular consequence: synonymous variant.
Genome position (GRCh38, 1-based): chr18:28,011,846, C>T on the plus strand (G>A on the coding strand, the complement: CDH2 is on the minus strand). VCF-style: chr18-28011846-C-T. GRCh37 (hg19) VCF-style: chr18-25591810-C-T.
Other names: c.453G>A, p.Arg151= (NM_001308176.2).
Identifiers: ClinVar variation 1372923 (VCV001372923.6), dbSNP rs201798295, ClinGen allele CA297918210.